The following is an entry in ClinVar:

NM_019892.6(INPP5E):c.120C>G (p.Pro40=)

Gene: INPP5E (inositol polyphosphate-5-phosphatase E; minus strand). Cytogenetic location: 9q34.3.
Variant type: single nucleotide variant.
Coding change: c.120C>G on transcript NM_019892.6 (MANE Select); coding-DNA position 120, C replaced by G.
Protein change: p.Pro40=; no amino-acid change (proline 40 retained).
Molecular consequence: synonymous variant.
Genome position (GRCh38, 1-based): chr9:136,439,300, G>C on the plus strand (C>G on the coding strand, the complement: INPP5E is on the minus strand). VCF-style: chr9-136439300-G-C. GRCh37 (hg19) VCF-style: chr9-139333752-G-C.
Other names: c.120C>G, p.Pro40= (NM_001318502.2).
Identifiers: ClinVar variation 3031003 (VCV003031003.3), dbSNP rs377154166, ClinGen allele CA467722772.
Genomic context (GRCh38, chr9:136,439,300, plus strand): 5'-GCCGCTGGGCGTGGCCGGAGTGCTGCAGGCAAGCGCGGGGCTCTCGGAGCCCGGAGCATC[G>C]GGTGGGGACCCCGCGCGCTGGGCCGGCGGAGCGCCGGGAAGCTGTCCTTGGAGCGTCCTC-3'
Protein context (NP_063945.2, residues 30-50): APPAQRAGSP[Pro40=]DAPGSESPAL

ClinVar aggregate classification (germline): Likely benign. Review status: criteria provided, single submitter (1 of 4 stars). 2 submissions from 2 submitters: Likely benign (1). 1 of the submissions does not count toward it. Last evaluated 2020-06-05.

Conditions:
INPP5E-related disorder. Also called: INPP5E-related condition.

gnomAD v4.1: 8 of 1,410,462 alleles (0.00057%); highest among the groups gnomAD compares: Non-Finnish European, 0.00064%; no homozygotes.

Submissions (2):

Blueprint Genetics
Classification: Likely benign. Last evaluated: 2020-06-05. Review status: criteria provided, single submitter. Criteria: ACMG Guidelines, 2015. Collection method: clinical testing. Allele origin: germline.

PreventionGenetics, part of Exact Sciences
Classification: Likely benign for INPP5E-related condition. Last evaluated: 2023-01-24. Review status: no assertion criteria provided. Collection method: clinical testing. Allele origin: germline. Not counted in ClinVar's aggregate classification.
Comment: This variant is classified as likely benign based on ACMG/AMP sequence variant interpretation guidelines (Richards et al. 2015 PMID: 25741868, with internal and published modifications).